The following is an entry in ClinVar:

NM_016955.4(SEPSECS):c.1360C>A (p.Leu454Ile)

Gene: SEPSECS (Sep (O-phosphoserine) tRNA:Sec (selenocysteine) tRNA synthase; minus strand). Cytogenetic location: 4p15.2.
Variant type: single nucleotide variant.
Coding change: c.1360C>A on transcript NM_016955.4 (MANE Select); coding-DNA position 1360, C replaced by A.
Protein change: p.Leu454Ile; replaces leucine 454 with isoleucine.
Molecular consequence: missense variant.
Genome position (GRCh38, 1-based): chr4:25,124,077, G>T on the plus strand (C>A on the coding strand, the complement: SEPSECS is on the minus strand). VCF-style: chr4-25124077-G-T. GRCh37 (hg19) VCF-style: chr4-25125699-G-T.
Other names: short protein forms L454I.
Identifiers: ClinVar variation 1377893 (VCV001377893.4), dbSNP rs1429990267, ClinGen allele CA356519067.

ClinVar aggregate classification (germline): Uncertain significance (1 of 4 stars; one submission).

Allele frequency attached by ClinVar (database versions not stated): TOPMed 0.00001; gnomAD 0.00001.
gnomAD v4.1: 15 of 1,613,644 alleles (0.00093%); highest among the groups gnomAD compares: Non-Finnish European, 0.0013%; no homozygotes.

Submission:

Labcorp Genetics (formerly Invitae), Labcorp
Classification: Uncertain significance. Last evaluated: 2025-03-03. Review status: criteria provided, single submitter. Criteria: Invitae Variant Classification Sherloc (09022015). Collection method: clinical testing. Allele origin: germline.
Comment: This sequence change replaces leucine, which is neutral and non-polar, with isoleucine, which is neutral and non-polar, at codon 454 of the SEPSECS protein (p.Leu454Ile). This variant is not present in population databases (gnomAD no frequency). This variant has not been reported in the literature in individuals affected with SEPSECS-related conditions. ClinVar contains an entry for this variant (Variation ID: 1377893). Invitae Evidence Modeling of protein sequence and biophysical properties (such as structural, functional, and spatial information, amino acid conservation, physicochemical variation, residue mobility, and thermodynamic stability) indicates that this missense variant is not expected to disrupt SEPSECS protein function with a negative predictive value of 80%. In summary, the available evidence is currently insufficient to determine the role of this variant in disease. Therefore, it has been classified as a Variant of Uncertain Significance.